The following is an entry in ClinVar:

NM_000202.8(IDS):c.241-1G>A

Gene: IDS (iduronate 2-sulfatase; minus strand). Cytogenetic location: Xq28.
Variant type: single nucleotide variant.
Coding change: c.241-1G>A on transcript NM_000202.8 (MANE Select); the canonical splice acceptor site of the intron before coding-DNA position 241, G replaced by A.
Molecular consequence: splice acceptor variant. On other transcripts: intron variant (1).
Genome position (GRCh38, 1-based): chrX:149,503,490, C>T on the plus strand (G>A on the coding strand, the complement: IDS is on the minus strand). VCF-style: chrX-149503490-C-T. GRCh37 (hg19) VCF-style: chrX-148585020-C-T.
Other names: c.15-45G>A (NM_001166550.4); c.241-1G>A (NM_006123.5).
Identifiers: ClinVar variation 3255622 (VCV003255622.3).

ClinVar aggregate classification (germline): Pathogenic. Review status: criteria provided, multiple submitters, no conflicts (2 of 4 stars). 2 submissions from 2 submitters: Pathogenic (2). Last evaluated 2024-06-07.

Conditions:
Mucopolysaccharidosis, MPS-II (MPS2). Also called: Attenuated MPS (subtype; formerly known as mild MPS II); Severe MPS II; I2S deficiency; MPS 2; Hunter Syndrome; IDURONATE 2-SULFATASE DEFICIENCY. Identifiers: Orphanet 580, Orphanet 79388, MedGen C0026705, MONDO:0010674, OMIM 309900.

Submissions (2):

Laboratory of Diagnosis and Therapy of Lysosomal Disorders, University of Padova
Classification: Pathogenic for Mucopolysaccharidosis, MPS-II. Last evaluated: 2024-06-07. Review status: criteria provided, single submitter. Criteria: ACMG Guidelines, 2015. Collection method: literature only. Allele origin: germline. Affected: yes. Observed: 3 variant alleles.
Comment: Null variant (PVS1_VeryStrong), Absent from controls (or at low frequency) in gnomAD database (PM2_Moderate), Patient’s phenotype or family history highly specific for the disease (PP4_Moderate)

Classification method: ACMG Guidelines [PMID:25741868] with modifications

Clinical Genetics Service, Universitary Hospital 12 de Octubre
Classification: Pathogenic for Mucopolysaccharidosis, MPS-II. Review status: criteria provided, single submitter. Criteria: ACMG Guidelines, 2015. Collection method: clinical testing. Allele origin: germline. Affected: yes.

Literature cited by the submitters: PubMed 17063374 (cited by Laboratory of Diagnosis and Therapy of Lysosomal Disorders, University of Padova); PubMed 18500569 (cited by Laboratory of Diagnosis and Therapy of Lysosomal Disorders, University of Padova); PubMed 36945845 (cited by Laboratory of Diagnosis and Therapy of Lysosomal Disorders, University of Padova).